The following is an entry in ClinVar:

NM_001199397.3(NEK1):c.3093A>G (p.Gln1031=)

Gene: NEK1 (NIMA related kinase 1; minus strand). Cytogenetic location: 4q33.
Variant type: single nucleotide variant.
Coding change: c.3093A>G on transcript NM_001199397.3 (MANE Select); coding-DNA position 3093, A replaced by G.
Protein change: p.Gln1031=; no amino-acid change (glutamine 1031 retained).
Molecular consequence: synonymous variant. On other transcripts: non-coding transcript variant (1).
Genome position (GRCh38, 1-based): chr4:169,424,682, T>C on the plus strand (A>G on the coding strand, the complement: NEK1 is on the minus strand). VCF-style: chr4-169424682-T-C. GRCh37 (hg19) VCF-style: chr4-170345833-T-C.
Other names: c.2961A>G, p.Gln987= (NM_001199398.3); c.2802A>G, p.Gln934= (NM_001199399.3); c.2877A>G, p.Gln959= (NM_001199400.3); c.3093A>G, p.Gln1031= (NM_001374418.1); c.3009A>G, p.Gln1003= (NM_001374419.1, NM_012224.4); c.2958A>G, p.Gln986= (NM_001374420.1); c.2610A>G, p.Gln870= (NM_001374421.1).
Identifiers: ClinVar variation 718149 (VCV000718149.9), dbSNP rs760811823, ClinGen allele CA3137240.
Genomic context (GRCh38, chr4:169,424,682, plus strand): 5'-TGGTGGTAAATGCGAGTGAGATCGAAATGCAAAGGATTCTTCTGGTGAACACTGAACTGA[T>C]TGAACTTGAGGGACTAAGTTCAAGTGTTCAGAATGAACCACCTTATGGAAAAATGGTTCC-3'
Protein context (NP_001186326.1, residues 1021-1041): SEHLNLVPQV[Gln1031=]SVQCSPEESF

ClinVar aggregate classification (germline): Likely benign. Review status: criteria provided, single submitter (1 of 4 stars). 2 submissions from 2 submitters: Likely benign (1). 1 of the submissions does not count toward it. Last evaluated 2024-12-30.

Conditions:
Short-rib thoracic dysplasia 6 with or without polydactyly (SRTD6). Also called: Majewski Syndrome; POLYDACTYLY WITH NEONATAL CHONDRODYSTROPHY, TYPE II; SHORT-RIB THORACIC DYSPLASIA 6 WITH POLYDACTYLY; SHORT-RIB THORACIC DYSPLASIA 6 WITHOUT POLYDACTYLY; SHORT RIB-POLYDACTYLY SYNDROME, TYPE IIA. Identifiers: MedGen C0024507, MONDO:0009894, OMIM 263520.
NEK1-related disorder. Also called: NEK1-related condition.

Allele frequency attached by ClinVar (database versions not stated): ExAC 0.00002; gnomAD exomes 0.00002; gnomAD 0.00007 and 0.00008; TOPMed 0.00007.
gnomAD v4.1: 37 of 1,613,908 alleles (0.0023%); highest among the groups gnomAD compares: African/African-American, 0.019%; no homozygotes.

Submissions (2):

Labcorp Genetics (formerly Invitae), Labcorp
Classification: Likely benign for Short-rib thoracic dysplasia 6 with or without polydactyly. Last evaluated: 2024-12-30. Review status: criteria provided, single submitter. Criteria: Invitae Variant Classification Sherloc (09022015). Collection method: clinical testing. Allele origin: germline.

PreventionGenetics, part of Exact Sciences
Classification: Likely benign for NEK1-related condition. Last evaluated: 2023-03-02. Review status: no assertion criteria provided. Collection method: clinical testing. Allele origin: germline. Not counted in ClinVar's aggregate classification.
Comment: This variant is classified as likely benign based on ACMG/AMP sequence variant interpretation guidelines (Richards et al. 2015 PMID: 25741868, with internal and published modifications).